The following is an entry in ClinVar:

NM_001378457.1(DMXL2):c.6406G>A (p.Ala2136Thr)

Gene: DMXL2 (Dmx like 2; minus strand). Cytogenetic location: 15q21.2.
Variant type: single nucleotide variant.
Coding change: c.6406G>A on transcript NM_001378457.1 (MANE Select); coding-DNA position 6406, G replaced by A.
Protein change: p.Ala2136Thr; replaces alanine 2136 with threonine.
Molecular consequence: missense variant. On other transcripts: non-coding transcript variant (2).
Genome position (GRCh38, 1-based): chr15:51,480,700, C>T on the plus strand (G>A on the coding strand, the complement: DMXL2 is on the minus strand). VCF-style: chr15-51480700-C-T. GRCh37 (hg19) VCF-style: chr15-51772897-C-T.
Other names: c.6406G>A, p.Ala2136Thr (NM_001174116.3, NM_001378458.1, NM_001378459.1 and 4 more transcripts); c.4498G>A, p.Ala1500Thr (NM_001174117.3); c.4387G>A, p.Ala1463Thr (NM_001378460.1); c.6166G>A, p.Ala2056Thr (NM_001378464.1); short protein forms A1463T, A1500T, A2056T, A2136T.
Identifiers: ClinVar variation 2114235 (VCV002114235.4), dbSNP rs2548446057, ClinGen allele CA392443667.
Genomic context (GRCh38, chr15:51,480,700, plus strand): 5'-TCAGGAGATCTTGGTTTTTCTGCAACCACGACTTTCGTCTTTCTGCATGCTCTCGTTTGG[C>T]CTGCAATCTTCTTCTTTCTATTTGATGGCGCTCATAGGAACCAATATCTGGTTTGTCTAC-3'
Protein context (NP_001365386.1, residues 2126-2146): RHQIERRRLQ[Ala2136Thr]KREHAERRKS

ClinVar aggregate classification (germline): Uncertain significance (1 of 4 stars; one submission).

Submission:

Labcorp Genetics (formerly Invitae), Labcorp
Classification: Uncertain significance. Last evaluated: 2022-03-19. Review status: criteria provided, single submitter. Criteria: Invitae Variant Classification Sherloc (09022015). Collection method: clinical testing. Allele origin: germline.
Comment: Algorithms developed to predict the effect of missense changes on protein structure and function are either unavailable or do not agree on the potential impact of this missense change (SIFT: "Deleterious"; PolyPhen-2: "Probably Damaging"; Align-GVGD: "Class C0"). In summary, the available evidence is currently insufficient to determine the role of this variant in disease. Therefore, it has been classified as a Variant of Uncertain Significance. This variant has not been reported in the literature in individuals affected with DMXL2-related conditions. This variant is not present in population databases (gnomAD no frequency). This sequence change replaces alanine, which is neutral and non-polar, with threonine, which is neutral and polar, at codon 2136 of the DMXL2 protein (p.Ala2136Thr).